The following is an entry in ClinVar:

NM_020631.6(PLEKHG5):c.1519G>C (p.Ala507Pro)

Gene: PLEKHG5 (pleckstrin homology and RhoGEF domain containing G5; minus strand). Cytogenetic location: 1p36.31.
Variant type: single nucleotide variant.
Coding change: c.1519G>C on transcript NM_020631.6 (MANE Select); coding-DNA position 1519, G replaced by C.
Protein change: p.Ala507Pro; replaces alanine 507 with proline.
Molecular consequence: missense variant.
Genome position (GRCh38, 1-based): chr1:6,470,758, C>G on the plus strand (G>C on the coding strand, the complement: PLEKHG5 is on the minus strand). VCF-style: chr1-6470758-C-G. GRCh37 (hg19) VCF-style: chr1-6530818-C-G.
Other names: c.1630G>C, p.Ala544Pro (NM_001042663.3, NM_001265592.2); c.1519G>C, p.Ala507Pro (NM_001042664.2, NM_001042665.2, NM_001265594.3 and 1 more transcripts); c.1726G>C, p.Ala576Pro (NM_001265593.2); short protein forms A507P, A544P, A576P.
Identifiers: ClinVar variation 1442435 (VCV001442435.8), dbSNP rs868002197, ClinGen allele CA338126373.

ClinVar aggregate classification (germline): Uncertain significance (1 of 4 stars; one submission).

Conditions:
Neuronopathy, distal hereditary motor, autosomal recessive 4. Also called: Autosomal recessive lower motor neuron disease with childhood onset; NEUROPATHY, DISTAL HEREDITARY MOTOR, AUTOSOMAL RECESSIVE 4. Identifiers: Orphanet 206580, MedGen C1970211, MONDO:0012608, OMIM 611067.
Charcot-Marie-Tooth disease recessive intermediate C. Also called: CHARCOT-MARIE-TOOTH NEUROPATHY, RECESSIVE INTERMEDIATE C. Identifiers: Orphanet 369867, MedGen C3809309, MONDO:0014154, OMIM 615376.

gnomAD v4.1: 1 of 1,562,326 alleles (0.000064%); highest among the groups gnomAD compares: African/African-American, 0.0014%; no homozygotes.

Submission:

Labcorp Genetics (formerly Invitae), Labcorp
Classification: Uncertain significance for Neuronopathy, distal hereditary motor, autosomal recessive 4; Charcot-Marie-Tooth disease recessive intermediate C. Last evaluated: 2021-05-13. Review status: criteria provided, single submitter. Criteria: Invitae Variant Classification Sherloc (09022015). Collection method: clinical testing. Allele origin: germline.
Comment: This sequence change replaces alanine with proline at codon 507 of the PLEKHG5 protein (p.Ala507Pro). The alanine residue is weakly conserved and there is a small physicochemical difference between alanine and proline. This variant is not present in population databases (ExAC no frequency). This variant has not been reported in the literature in individuals with PLEKHG5-related conditions. Algorithms developed to predict the effect of missense changes on protein structure and function (SIFT, PolyPhen-2, Align-GVGD) all suggest that this variant is likely to be tolerated, but these predictions have not been confirmed by published functional studies and their clinical significance is uncertain. In summary, the available evidence is currently insufficient to determine the role of this variant in disease. Therefore, it has been classified as a Variant of Uncertain Significance.